The following is an entry in ClinVar:

NM_004434.3(EML1):c.1975G>A (p.Gly659Arg)

Gene: EML1 (EMAP like 1; plus strand). Cytogenetic location: 14q32.2.
Variant type: single nucleotide variant.
Coding change: c.1975G>A on transcript NM_004434.3 (MANE Select); coding-DNA position 1975, G replaced by A.
Protein change: p.Gly659Arg; replaces glycine 659 with arginine.
Molecular consequence: missense variant.
Genome position (GRCh38, 1-based): chr14:99,936,094, G>A. VCF-style: chr14-99936094-G-A. GRCh37 (hg19) VCF-style: chr14-100402431-G-A.
Other names: c.2032G>A, p.Gly678Arg (NM_001008707.2); c.1936G>A, p.Gly646Arg (NM_001375411.1); c.1843G>A, p.Gly615Arg (NM_001375412.1); short protein forms G615R, G659R, G678R, G646R.
Identifiers: ClinVar variation 2709683 (VCV002709683.3), dbSNP rs2548916900, ClinGen allele CA391150918.

ClinVar aggregate classification (germline): Uncertain significance (1 of 4 stars; one submission).

Allele frequency attached by ClinVar (database versions not stated): gnomAD exomes below 0.00001.
gnomAD v4.1: 2 of 1,614,116 alleles (0.00012%); highest among the groups gnomAD compares: Non-Finnish European, 0.00017%; no homozygotes.

Submission:

Labcorp Genetics (formerly Invitae), Labcorp
Classification: Uncertain significance. Last evaluated: 2024-01-22. Review status: criteria provided, single submitter. Criteria: Invitae Variant Classification Sherloc (09022015). Collection method: clinical testing. Allele origin: germline.
Comment: This sequence change replaces glycine, which is neutral and non-polar, with arginine, which is basic and polar, at codon 659 of the EML1 protein (p.Gly659Arg). This variant is not present in population databases (gnomAD no frequency). This variant has not been reported in the literature in individuals affected with EML1-related conditions. An algorithm developed to predict the effect of missense changes on protein structure and function (PolyPhen-2) suggests that this variant is likely to be disruptive. In summary, the available evidence is currently insufficient to determine the role of this variant in disease. Therefore, it has been classified as a Variant of Uncertain Significance.